The following is an entry in ClinVar:

ClinVar aggregate classification (germline): Uncertain significance (1 of 4 stars; one submission).

Submission:

GeneDx
Classification: Uncertain significance. Last evaluated: 2024-08-25. Review status: criteria provided, single submitter. Criteria: GeneDx Variant Classification Process June 2021. Collection method: clinical testing. Allele origin: germline. Affected: yes.
Comment: Not observed at significant frequency in large population cohorts (gnomAD); In silico analysis supports that this missense variant has a deleterious effect on protein structure/function; Has not been previously published as pathogenic or benign to our knowledge

NM_003128.3(SPTBN1):c.2130C>A (p.Phe710Leu)

Gene: SPTBN1 (spectrin beta, non-erythrocytic 1; plus strand). Cytogenetic location: 2p16.2.
Variant type: single nucleotide variant.
Coding change: c.2130C>A on transcript NM_003128.3 (MANE Select); coding-DNA position 2130, C replaced by A.
Protein change: p.Phe710Leu; replaces phenylalanine 710 with leucine.
Molecular consequence: missense variant.
Genome position (GRCh38, 1-based): chr2:54,629,264, C>A. VCF-style: chr2-54629264-C-A. GRCh37 (hg19) VCF-style: chr2-54856401-C-A.
Other names: c.2091C>A, p.Phe697Leu (NM_178313.3); short protein forms F697L, F710L.
Identifiers: ClinVar variation 3766251 (VCV003766251.1).
Genomic context (GRCh38, chr2:54,629,264, plus strand): 5'-CAGTGGCCACTTTGAGCAGGCCATCAAGGAAGGCGAAGACATGATCGCGGAGGAGCACTT[C>A]GGGTCGGAGAAGATCCGTGAGAGGATCATTTACATCCGGGAGCAGTGGGCCAACCTAGAG-3'
Protein context (NP_003119.2, residues 700-720): EGEDMIAEEH[Phe710Leu]GSEKIRERII